The following is an entry in ClinVar:

ClinVar aggregate classification (germline): Uncertain significance (1 of 4 stars; one submission).

Submission:

Labcorp Genetics (formerly Invitae), Labcorp
Classification: Uncertain significance. Last evaluated: 2025-01-15. Review status: criteria provided, single submitter. Criteria: Invitae Variant Classification Sherloc (09022015). Collection method: clinical testing. Allele origin: germline.
Comment: This sequence change replaces glutamic acid, which is acidic and polar, with glycine, which is neutral and non-polar, at codon 638 of the ZNF341 protein (p.Glu638Gly). This variant is not present in population databases (gnomAD no frequency). This variant has not been reported in the literature in individuals affected with ZNF341-related conditions. ClinVar contains an entry for this variant (Variation ID: 1393421). An algorithm developed to predict the effect of missense changes on protein structure and function (PolyPhen-2) suggests that this variant is likely to be disruptive. In summary, the available evidence is currently insufficient to determine the role of this variant in disease. Therefore, it has been classified as a Variant of Uncertain Significance.

NM_001282933.2(ZNF341):c.1934A>G (p.Glu645Gly)

Genes: ZNF341 (zinc finger protein 341; plus strand), ZNF341-AS1 (ZNF341 antisense RNA 1; minus strand). Cytogenetic location: 20q11.22.
Variant type: single nucleotide variant.
Coding change: c.1934A>G on transcript NM_001282933.2 (MANE Select); coding-DNA position 1934, A replaced by G.
Protein change: p.Glu645Gly; replaces glutamic acid 645 with glycine.
Molecular consequence: missense variant. On other transcripts: non-coding transcript variant (1).
Genome position (GRCh38, 1-based): chr20:33,788,944, A>G. VCF-style: chr20-33788944-A-G. GRCh37 (hg19) VCF-style: chr20-32376750-A-G.
Other names: c.1664A>G, p.Glu555Gly (NM_001282935.2); c.1913A>G, p.Glu638Gly (NM_032819.5); short protein forms E638G, E645G, E555G.
Identifiers: ClinVar variation 1393421 (VCV001393421.8), dbSNP rs2122744189, ClinGen allele CA408640821.